The following is an entry in ClinVar:

NM_001374736.1(DST):c.15836AAG[1] (p.Glu5280del)

Gene: DST (dystonin; minus strand). Cytogenetic location: 6p12.1.
Variant type: Microsatellite.
Coding change: c.15836AAG[1] on transcript NM_001374736.1 (MANE Select); one copy of the 3-base unit AAG starting at c.15836; the reference has two copies in a row; one copy, 3 bases deleted.
Protein change: p.Glu5280del; deletes glutamic acid 5280.
Molecular consequence: inframe deletion.
Genome position (GRCh38, 1-based): chr6:56,552,951-56,552,953, CTT deleted on the plus strand (AAG on the coding strand, the reverse complement: DST is on the minus strand); deleting any 3 consecutive bases within chr6:56,552,951-56,552,956 gives the same sequence; the position shown is the placement nearest the transcript's 3' end. VCF-style (leftmost placement, unchanged base first): chr6-56552950-ACTT-A. GRCh37 (hg19) VCF-style: chr6-56417748-ACTT-A.
Other names: c.9479AAG[1], p.Glu3161del (NM_001144769.5); c.9065AAG[1], p.Glu3023del (NM_001144770.2); c.15836AAG[1], p.Glu5280del (NM_001374722.1); c.15203AAG[1], p.Glu5069del (NM_001374729.1); c.8945AAG[1], p.Glu2983del (NM_001374730.1, NM_183380.4); c.15863AAG[1], p.Glu5289del (NM_001374734.1); c.7967AAG[1], p.Glu2657del (NM_015548.5); short protein forms E2657del, E3023del, E3161del, E5069del, E5280del, E2983del, E5289del.
Identifiers: ClinVar variation 968657 (VCV000968657.7), dbSNP rs1233181836, ClinGen allele CA567637883.

ClinVar aggregate classification (germline): Uncertain significance (1 of 4 stars; one submission).

Conditions:
Epidermolysis bullosa simplex 3, localized or generalized intermediate, with BP230 deficiency (EBS3). Also called: Epidermolysis bullosa simplex, autosomal recessive 2; Epidermolysis bullosa simplex due to BP230 deficiency. Identifiers: Orphanet 412181, MedGen C3809470, MONDO:0014180, OMIM 615425.
Hereditary sensory and autonomic neuropathy type 6. Also called: Neuropathy, hereditary sensory and autonomic, type VI; HSAN VI. Identifiers: Orphanet 314381, MedGen C3539003, MONDO:0013839, OMIM 614653.

Submission:

Labcorp Genetics (formerly Invitae), Labcorp
Classification: Uncertain significance for Epidermolysis bullosa simplex 3, localized or generalized intermediate, with BP230 deficiency; Hereditary sensory and autonomic neuropathy type 6. Last evaluated: 2022-10-05. Review status: criteria provided, single submitter. Criteria: Invitae Variant Classification Sherloc (09022015). Collection method: clinical testing. Allele origin: germline.
Comment: The DST gene has multiple clinically relevant transcripts. This variant occurs in alternate transcript NM_015548.4, and corresponds to NM_001723.5:c.*62564_*62566del in the primary transcript. This variant, c.7970_7972del, results in the deletion of 1 amino acid(s) of the DST protein (p.Glu2657del), but otherwise preserves the integrity of the reading frame. This variant is present in population databases (no rsID available, gnomAD 0.02%). This variant has not been reported in the literature in individuals affected with DST-related conditions. Experimental studies and prediction algorithms are not available or were not evaluated, and the functional significance of this variant is currently unknown. In summary, the available evidence is currently insufficient to determine the role of this variant in disease. Therefore, it has been classified as a Variant of Uncertain Significance.